The following is an entry in ClinVar:

NM_000400.4(ERCC2):c.1208T>C (p.Phe403Ser)

Gene: ERCC2 (ERCC excision repair 2, TFIIH core complex helicase subunit; minus strand). Cytogenetic location: 19q13.32.
Variant type: single nucleotide variant.
Coding change: c.1208T>C on transcript NM_000400.4 (MANE Select); coding-DNA position 1208, T replaced by C.
Protein change: p.Phe403Ser; replaces phenylalanine 403 with serine.
Molecular consequence: missense variant.
Genome position (GRCh38, 1-based): chr19:45,361,553, A>G on the plus strand (T>C on the coding strand, the complement: ERCC2 is on the minus strand). VCF-style: chr19-45361553-A-G. GRCh37 (hg19) VCF-style: chr19-45864811-A-G.
Other names: c.1136T>C, p.Phe379Ser (NM_001130867.2); short protein forms F379S, F403S.
Identifiers: ClinVar variation 2452359 (VCV002452359.2), dbSNP rs892115162, ClinGen allele CA308964158.

ClinVar aggregate classification (germline): Uncertain significance (1 of 4 stars; one submission).

Conditions:
Inborn genetic diseases. Identifiers: MedGen C0950123, MeSH D030342.

Allele frequency attached by ClinVar (database versions not stated): gnomAD exomes 0.00001.
gnomAD v4.1: 5 of 1,613,848 alleles (0.00031%); highest among the groups gnomAD compares: Non-Finnish European, 0.00042%; no homozygotes.

Submission:

Ambry Genetics
Classification: Uncertain significance for Inborn genetic diseases. Last evaluated: 2023-01-08. Review status: criteria provided, single submitter. Criteria: Ambry Variant Classification Scheme 2023. Collection method: clinical testing. Allele origin: germline.
Comment: The p.F403S variant (also known as c.1208T>C), located in coding exon 12 of the ERCC2 gene, results from a T to C substitution at nucleotide position 1208. The phenylalanine at codon 403 is replaced by serine, an amino acid with highly dissimilar properties. This amino acid position is conserved. In addition, this alteration is predicted to be deleterious by in silico analysis. Since supporting evidence is limited at this time, the clinical significance of this alteration remains unclear.